The following is an entry in ClinVar:

NM_005228.5(EGFR):c.1762G>T (p.Gly588Cys)

Gene: EGFR (epidermal growth factor receptor; plus strand). Cytogenetic location: 7p11.2.
Variant type: single nucleotide variant.
Coding change: c.1762G>T on transcript NM_005228.5 (MANE Select); coding-DNA position 1762, G replaced by T.
Protein change: p.Gly588Cys; replaces glycine 588 with cysteine.
Molecular consequence: missense variant.
Genome position (GRCh38, 1-based): chr7:55,165,319, G>T. VCF-style: chr7-55165319-G-T. GRCh37 (hg19) VCF-style: chr7-55233012-G-T.
Other names: c.1627G>T, p.Gly543Cys (NM_001346897.2, NM_001346899.2); c.1762G>T, p.Gly588Cys (NM_001346898.2, NM_201282.2, NM_201284.2); c.1603G>T, p.Gly535Cys (NM_001346900.2); c.961G>T, p.Gly321Cys (NM_001346941.2); short protein forms G321C, G588C, G543C, G535C.
Identifiers: ClinVar variation 5035807 (VCV005035807.1).
Genomic context (GRCh38, chr7:55,165,319, plus strand): 5'-TTTTTCTCCACCTTGGTGCAGGGACCAGACAACTGTATCCAGTGTGCCCACTACATTGAC[G>T]GCCCCCACTGCGTCAAGACCTGCCCGGCAGGAGTCATGGGAGAAAACAACACCCTGGTCT-3'
Protein context (NP_005219.2, residues 578-598): NCIQCAHYID[Gly588Cys]PHCVKTCPAG

ClinVar aggregate classification (germline): Uncertain significance (1 of 4 stars; one submission).

Conditions:
Hereditary cancer-predisposing syndrome. Also called: Hereditary Cancer Syndrome; Neoplastic Syndromes, Hereditary; Tumor predisposition; Hereditary neoplastic syndrome. Identifiers: Orphanet 140162, MedGen C0027672, MeSH D009386, MONDO:0015356.

Submission:

Ambry Genetics
Classification: Uncertain significance for Hereditary cancer-predisposing syndrome. Last evaluated: 2026-07-25. Review status: criteria provided, single submitter. Criteria: Ambry Variant Classification Scheme 2023. Collection method: clinical testing. Allele origin: germline.
Comment: The p.G588C variant (also known as c.1762G>T), located in coding exon 15 of the EGFR gene, results from a G to T substitution at nucleotide position 1762. The glycine at codon 588 is replaced by cysteine, an amino acid with highly dissimilar properties. This amino acid position is conserved. In addition, this alteration is predicted to be deleterious by in silico analysis. Based on the available evidence, the clinical significance of this variant remains unclear.